The following is an entry in ClinVar:

ClinVar aggregate classification (germline): Uncertain significance (1 of 4 stars; one submission).

Submission:

Labcorp Genetics (formerly Invitae), Labcorp
Classification: Uncertain significance. Last evaluated: 2023-02-28. Review status: criteria provided, single submitter. Criteria: Invitae Variant Classification Sherloc (09022015). Collection method: clinical testing. Allele origin: germline.
Comment: In summary, the available evidence is currently insufficient to determine the role of this variant in disease. Therefore, it has been classified as a Variant of Uncertain Significance. Advanced modeling of protein sequence and biophysical properties (such as structural, functional, and spatial information, amino acid conservation, physicochemical variation, residue mobility, and thermodynamic stability) performed at Invitae indicates that this missense variant is not expected to disrupt POGLUT1 protein function. This variant has not been reported in the literature in individuals affected with POGLUT1-related conditions. This variant is not present in population databases (gnomAD no frequency). This sequence change replaces alanine, which is neutral and non-polar, with valine, which is neutral and non-polar, at codon 78 of the POGLUT1 protein (p.Ala78Val).

NM_152305.3(POGLUT1):c.233C>T (p.Ala78Val)

Gene: POGLUT1 (protein O-glucosyltransferase 1; plus strand). Cytogenetic location: 3q13.33.
Variant type: single nucleotide variant.
Coding change: c.233C>T on transcript NM_152305.3 (MANE Select); coding-DNA position 233, C replaced by T.
Protein change: p.Ala78Val; replaces alanine 78 with valine.
Molecular consequence: missense variant. On other transcripts: non-coding transcript variant (1).
Genome position (GRCh38, 1-based): chr3:119,471,365, C>T. VCF-style: chr3-119471365-C-T. GRCh37 (hg19) VCF-style: chr3-119190212-C-T.
Other names: c.233C>T, p.Ala78Val (NM_020231.3); short protein forms A78V.
Identifiers: ClinVar variation 2841636 (VCV002841636.3), dbSNP rs2473019982, ClinGen allele CA354036589.